The following is an entry in ClinVar:

ClinVar aggregate classification (germline): Uncertain significance (1 of 4 stars; one submission).

Conditions:
Tumoral calcinosis, hyperphosphatemic, familial, 2. Identifiers: MedGen C4693863, MONDO:0060714, OMIM 617993.
Autosomal dominant hypophosphatemic rickets (ADHR). Also called: HYPOPHOSPHATEMIA, AUTOSOMAL DOMINANT; VITAMIN D-RESISTANT RICKETS, AUTOSOMAL DOMINANT. Identifiers: Orphanet 89937, MedGen C0342642, MONDO:0008660, OMIM 193100.

Submission:

Rare Kidney Stone Consortium and the Mayo Clinic Hyperoxaluria Center, Mayo Clinic
Classification: Uncertain significance for Autosomal dominant hypophosphatemic rickets; Tumoral calcinosis, hyperphosphatemic, familial, 2. Last evaluated: 2025-10-03. Review status: criteria provided, single submitter. Criteria: ACMG Guidelines, 2015. Collection method: research. Allele origin: germline. Observed: 1 variant allele.
Comment: ACMG:PM1, PM2, PP2

Literature cited by the submitters: PubMed 40794449.

NM_020638.3(FGF23):c.524G>A (p.Arg175Gln)

Gene: FGF23 (fibroblast growth factor 23; minus strand). Cytogenetic location: 12p13.32.
Variant type: single nucleotide variant.
Coding change: c.524G>A on transcript NM_020638.3 (MANE Select); coding-DNA position 524, G replaced by A.
Protein change: p.Arg175Gln; replaces arginine 175 with glutamine.
Molecular consequence: missense variant.
Genome position (GRCh38, 1-based): chr12:4,370,575, C>T on the plus strand (G>A on the coding strand, the complement: FGF23 is on the minus strand). VCF-style: chr12-4370575-C-T. GRCh37 (hg19) VCF-style: chr12-4479741-C-T.
Other names: short protein forms R175Q.
Identifiers: ClinVar variation 4526860 (VCV004526860.1).